The following is an entry in ClinVar:

NM_000535.7(PMS2):c.2506G>A (p.Glu836Lys)

Gene: PMS2 (PMS1 homolog 2, mismatch repair system component; minus strand). Cytogenetic location: 7p22.1.
Variant type: single nucleotide variant.
Coding change: c.2506G>A on transcript NM_000535.7 (MANE Select); coding-DNA position 2506, G replaced by A.
Protein change: p.Glu836Lys; replaces glutamic acid 836 with lysine.
Molecular consequence: missense variant. On other transcripts: non-coding transcript variant (1).
Genome position (GRCh38, 1-based): chr7:5,973,482, C>T on the plus strand (G>A on the coding strand, the complement: PMS2 is on the minus strand). VCF-style: chr7-5973482-C-T. GRCh37 (hg19) VCF-style: chr7-6013113-C-T.
Other names: c.2101G>A, p.Glu701Lys (NM_001322003.2, NM_001322004.2, NM_001322005.2); c.2188G>A, p.Glu730Lys (NM_001322008.2, NM_001322007.2); c.2134G>A, p.Glu712Lys (NM_001322009.2); c.1945G>A, p.Glu649Lys (NM_001322010.2); c.1573G>A, p.Glu525Lys (NM_001322011.2, NM_001322012.2); c.2350G>A, p.Glu784Lys (NM_001322006.2); c.1933G>A, p.Glu645Lys (NM_001322013.2); c.2539G>A, p.Glu847Lys (NM_001322014.2); and 1 more; short protein forms E645K, E649K, E730K, E733K, E712K, E525K, E836K, E847K.
Identifiers: ClinVar variation 821405 (VCV000821405.18), dbSNP rs786201039, ClinGen allele CA153219050.

ClinVar aggregate classification (germline): Uncertain significance. Review status: criteria provided, multiple submitters, no conflicts (2 of 4 stars). 4 submissions from 4 submitters: Uncertain significance (4). Last evaluated 2025-09-24.

Conditions:
Hereditary nonpolyposis colorectal neoplasms. Identifiers: MedGen C0009405, MeSH D003123.
Lynch syndrome 4 (LYNCH4). Also called: Colorectal cancer, hereditary nonpolyposis, type 4; Hereditary non-polyposis colorectal cancer, type 4. Identifiers: Orphanet 144, MedGen C1838333, MONDO:0013699, OMIM 614337. Disease mechanism: loss of function.
Hereditary cancer-predisposing syndrome. Also called: Neoplastic Syndromes, Hereditary; Tumor predisposition; Hereditary Cancer Syndrome; Hereditary neoplastic syndrome. Identifiers: Orphanet 140162, MedGen C0027672, MeSH D009386, MONDO:0015356.

Allele frequency attached by ClinVar (database versions not stated): gnomAD 0.00001.

Submissions (4):

Labcorp Genetics (formerly Invitae), Labcorp
Classification: Uncertain significance for Hereditary nonpolyposis colorectal neoplasms. Last evaluated: 2025-09-24. Review status: criteria provided, single submitter. Criteria: Invitae Variant Classification Sherloc (09022015). Collection method: clinical testing. Allele origin: germline.
Comment: This sequence change replaces glutamic acid, which is acidic and polar, with lysine, which is basic and polar, at codon 836 of the PMS2 protein (p.Glu836Lys). The frequency data for this variant in the population databases (gnomAD) is considered unreliable due to the presence of homologous sequence, such as pseudogenes or paralogs, in the genome. This missense change has been observed in individual(s) with clinical features of PMS2-related conditions (PMID: 34326862). ClinVar contains an entry for this variant (Variation ID: 821405). Invitae Evidence Modeling incorporating data from in vitro experimental studies (internal data) indicates that this missense variant is not expected to disrupt PMS2 function with a negative predictive value of 95%. In summary, the available evidence is currently insufficient to determine the role of this variant in disease. Therefore, it has been classified as a Variant of Uncertain Significance.

Ambry Genetics
Classification: Uncertain significance for Hereditary cancer-predisposing syndrome. Last evaluated: 2024-10-25. Review status: criteria provided, single submitter. Criteria: Ambry Variant Classification Scheme 2023. Collection method: clinical testing. Allele origin: germline.
Comment: The p.E836K variant (also known as c.2506G>A), located in coding exon 15 of the PMS2 gene, results from a G to A substitution at nucleotide position 2506. The glutamic acid at codon 836 is replaced by lysine, an amino acid with similar properties. This amino acid position is well conserved in available vertebrate species. In addition, the in silico prediction for this alteration is inconclusive. Based on the available evidence, the clinical significance of this variant remains unclear.

Color Diagnostics, LLC DBA Color Health
Classification: Uncertain significance for Hereditary cancer-predisposing syndrome. Last evaluated: 2024-03-06. Review status: criteria provided, single submitter. Criteria: ACMG Guidelines, 2015. Collection method: clinical testing. Allele origin: germline.
Comment: This missense variant replaces glutamic acid with lysine at codon 836 of the PMS2 protein. Computational prediction is inconclusive regarding the impact of this variant on protein structure and function (internally defined REVEL score threshold 0.5 < inconclusive < 0.7, PMID: 27666373). To our knowledge, functional studies have not been reported for this variant. This variant has not been reported in individuals affected with hereditary cancer in the literature. This variant has not been identified in the general population by the Genome Aggregation Database (gnomAD). The available evidence is insufficient to determine the role of this variant in disease conclusively. Therefore, this variant is classified as a Variant of Uncertain Significance.

Baylor Genetics
Classification: Uncertain significance for Lynch syndrome 4. Last evaluated: 2024-01-12. Review status: criteria provided, single submitter. Criteria: ACMG Guidelines, 2015. Collection method: clinical testing. Allele origin: unknown.

Literature cited by the submitters: PubMed 34326862 (cited by Labcorp Genetics (formerly Invitae), Labcorp).